The following is an entry in ClinVar:

NM_000465.4(BARD1):c.1854G>C (p.Leu618Phe)

Gene: BARD1 (BRCA1 associated RING domain 1; minus strand). Cytogenetic location: 2q35.
Variant type: single nucleotide variant.
Coding change: c.1854G>C on transcript NM_000465.4 (MANE Select); coding-DNA position 1854, G replaced by C.
Protein change: p.Leu618Phe; replaces leucine 618 with phenylalanine.
Molecular consequence: missense variant. On other transcripts: non-coding transcript variant (3), intron variant (1).
Genome position (GRCh38, 1-based): chr2:214,745,116, C>G on the plus strand (G>C on the coding strand, the complement: BARD1 is on the minus strand). VCF-style: chr2-214745116-C-G. GRCh37 (hg19) VCF-style: chr2-215609840-C-G.
Other names: c.1797G>C, p.Leu599Phe (NM_001282543.2); c.501G>C, p.Leu167Phe (NM_001282545.2); c.444G>C, p.Leu148Phe (NM_001282548.2); c.365-14608G>C (NM_001282549.2); short protein forms L148F, L167F, L618F, L599F.
Identifiers: ClinVar variation 1982347 (VCV001982347.4), dbSNP rs2469338052, ClinGen allele CA350452193.

ClinVar aggregate classification (germline): Uncertain significance (1 of 4 stars; one submission).

Conditions:
Familial cancer of breast. Also called: hereditary breast carcinoma; BREAST CANCER, FAMILIAL; Hereditary breast cancer. Identifiers: Orphanet 227535, MedGen C0346153, MONDO:0016419, OMIM 114480. Disease mechanism: loss of function.

Submission:

Labcorp Genetics (formerly Invitae), Labcorp
Classification: Uncertain significance for Familial cancer of breast. Last evaluated: 2023-05-21. Review status: criteria provided, single submitter. Criteria: Invitae Variant Classification Sherloc (09022015). Collection method: clinical testing. Allele origin: germline.
Comment: In summary, the available evidence is currently insufficient to determine the role of this variant in disease. Therefore, it has been classified as a Variant of Uncertain Significance. An algorithm developed to predict the effect of missense changes on protein structure and function (PolyPhen-2) suggests that this variant is likely to be tolerated. ClinVar contains an entry for this variant (Variation ID: 1982347). This variant has not been reported in the literature in individuals affected with BARD1-related conditions. This variant is not present in population databases (gnomAD no frequency). This sequence change replaces leucine, which is neutral and non-polar, with phenylalanine, which is neutral and non-polar, at codon 618 of the BARD1 protein (p.Leu618Phe).